The following is an entry in ClinVar:

ClinVar aggregate classification (germline): Uncertain significance (1 of 4 stars; one submission).

Conditions:
Griscelli syndrome type 2 (GS2). Also called: GRISCELLI SYNDROME WITH HEMOPHAGOCYTIC SYNDROME; PAID SYNDROME; PARTIAL ALBINISM AND IMMUNODEFICIENCY SYNDROME. Identifiers: Orphanet 381, Orphanet 79477, MedGen C1868679, MONDO:0011872, OMIM 607624.

Allele frequency attached by ClinVar (database versions not stated): TOPMed 0.00001; ExAC 0.00002; gnomAD exomes 0.00002.

Submission:

Labcorp Genetics (formerly Invitae), Labcorp
Classification: Uncertain significance for Griscelli syndrome type 2. Last evaluated: 2018-08-09. Review status: criteria provided, single submitter. Criteria: Invitae Variant Classification Sherloc (09022015). Collection method: clinical testing. Allele origin: germline.
Comment: This sequence change replaces glycine with arginine at codon 32 of the RAB27A protein (p.Gly32Arg). The glycine residue is highly conserved and there is a moderate physicochemical difference between glycine and arginine. This variant is present in population databases (rs778448317, ExAC 0.03%). This variant has not been reported in the literature in individuals with RAB27A-related disease. Algorithms developed to predict the effect of missense changes on protein structure and function (SIFT, PolyPhen-2, Align-GVGD) all suggest that this variant is likely to be disruptive, but these predictions have not been confirmed by published functional studies and their clinical significance is uncertain. In summary, the available evidence is currently insufficient to determine the role of this variant in disease. Therefore, it has been classified as a Variant of Uncertain Significance.

NM_183235.3(RAB27A):c.94G>C (p.Gly32Arg)

Gene: RAB27A (RAB27A, member RAS oncogene family; minus strand). Cytogenetic location: 15q21.3.
Variant type: single nucleotide variant.
Coding change: c.94G>C on transcript NM_183235.3 (MANE Select); coding-DNA position 94, G replaced by C.
Protein change: p.Gly32Arg; replaces glycine 32 with arginine.
Molecular consequence: missense variant.
Genome position (GRCh38, 1-based): chr15:55,234,841, C>G on the plus strand (G>C on the coding strand, the complement: RAB27A is on the minus strand). VCF-style: chr15-55234841-C-G. GRCh37 (hg19) VCF-style: chr15-55527039-C-G.
Other names: c.94G>C, p.Gly32Arg (NM_004580.5, NM_183234.3, NM_183236.3); short protein forms G32R.
Identifiers: ClinVar variation 640213 (VCV000640213.8), dbSNP rs778448317, ClinGen allele CA7573706.